The following is an entry in ClinVar:

ClinVar aggregate classification (germline): Benign (1 of 4 stars; one submission).

Conditions:
Diamond-Blackfan anemia 10 (DBA10). Also called: RPS26-Related Diamond-Blackfan Anemia. Identifiers: Orphanet 124, MedGen C2750080, MONDO:0013217, OMIM 613309.

Allele frequency attached by ClinVar (database versions not stated): gnomAD exomes 0.00043; ExAC 0.00045; ESP Exome Variant Server 0.00138; gnomAD 0.00145 and 0.00150; TOPMed 0.00162; 1000 Genomes Project 30x 0.00187; 1000 Genomes Project 0.00200.

Submission:

Illumina Laboratory Services, Illumina
Classification: Benign for Diamond-Blackfan anemia 10. Last evaluated: 2018-01-12. Review status: criteria provided, single submitter. Criteria: ICSL Variant Classification Criteria 13 December 2019. Collection method: clinical testing. Allele origin: germline.
Comment: This variant was observed in the ICSL laboratory as part of a predisposition screen in an ostensibly healthy population. It had not been previously curated by ICSL or reported in the Human Gene Mutation Database (HGMD: prior to June 1st, 2018), and was therefore a candidate for classification through an automated scoring system. Utilizing variant allele frequency, disease prevalence and penetrance estimates, and inheritance mode, an automated score was calculated to assess if this variant is too frequent to cause the disease. Based on the score and internal cut-off values, a variant classified as benign is not then subjected to further curation. The score for this variant resulted in a classification of benign for this disease.

NM_001029.5(RPS26):c.-25C>T

Gene: RPS26 (ribosomal protein S26; plus strand). Cytogenetic location: 12q13.2.
Variant type: single nucleotide variant.
Coding change: c.-25C>T on transcript NM_001029.5 (MANE Select); 25 bases upstream of the start codon, C replaced by T.
Molecular consequence: 5 prime UTR variant.
Genome position (GRCh38, 1-based): chr12:56,042,142, C>T. VCF-style: chr12-56042142-C-T. GRCh37 (hg19) VCF-style: chr12-56435926-C-T.
Identifiers: ClinVar variation 883078 (VCV000883078.4), dbSNP rs373484606, ClinGen allele CA6621629.
Genomic context (GRCh38, chr12:56,042,142, plus strand): 5'-TCTCCCGGTGTCCGCGTAGGGATCTCATGCTATATAGGAGGGCCCTGCCAGGCACCGTCT[C>T]CTCTCTCCGGTCCGTGCCTCCAAGATGGTGAGTCTTCTTGCGTGGTGAGGGTGGGGGTTC-3'